The following is an entry in ClinVar:

ClinVar aggregate classification (germline): Uncertain significance (1 of 4 stars; one submission).

Conditions:
Familial adenomatous polyposis 2. Also called: FAP type 2; COLORECTAL ADENOMATOUS POLYPOSIS, AUTOSOMAL RECESSIVE; ADENOMAS, MULTIPLE COLORECTAL, AUTOSOMAL RECESSIVE; MYH-associated polyposis; MUTYH Polyposis; Adenomas, multiple colorectal. Identifiers: Orphanet 220460, Orphanet 247798, MedGen C3272841, MONDO:0012041, OMIM 608456.

Submission:

Labcorp Genetics (formerly Invitae), Labcorp
Classification: Uncertain significance for Familial adenomatous polyposis 2. Last evaluated: 2025-05-25. Review status: criteria provided, single submitter. Criteria: Invitae Variant Classification Sherloc (09022015). Collection method: clinical testing. Allele origin: germline.
Comment: This variant, c.984_989del, results in the deletion of 2 amino acid(s) of the MUTYH protein (p.Asp328_Val329del), but otherwise preserves the integrity of the reading frame. This variant is not present in population databases (gnomAD no frequency). This variant has not been reported in the literature in individuals affected with MUTYH-related conditions. Experimental studies and prediction algorithms are not available or were not evaluated, and the functional significance of this variant is currently unknown. Algorithms developed to predict the effect of sequence changes on RNA splicing suggest that this variant may disrupt the consensus splice site. In summary, the available evidence is currently insufficient to determine the role of this variant in disease. Therefore, it has been classified as a Variant of Uncertain Significance.

NM_001048174.2(MUTYH):c.900_905del (p.Asp300_Val301del)

Gene: MUTYH (mutY DNA glycosylase; minus strand). Cytogenetic location: 1p34.1.
Variant type: Deletion.
Coding change: c.900_905del on transcript NM_001048174.2 (MANE Select); coding-DNA positions 900 to 905, 6 bases deleted (CGTGGA; older notation c.900_905delCGTGGA).
Protein change: p.Asp300_Val301del.
Molecular consequence: inframe deletion. On other transcripts: non-coding transcript variant (7).
Genome position (GRCh38, 1-based): chr1:45,332,031-45,332,036, TCCACG deleted on the plus strand (CGTGGA on the coding strand, the reverse complement: MUTYH is on the minus strand); deleting any 6 consecutive bases within chr1:45,332,031-45,332,038 gives the same sequence; the c. name uses the placement nearest the transcript's 3' end. VCF-style (leftmost placement, unchanged base first): chr1-45332030-CTCCACG-C. GRCh37 (hg19) VCF-style: chr1-45797702-CTCCACG-C.
Other names: c.900_905del, p.Asp300_Val301del (NM_001048171.2, NM_001048173.2, NM_001293195.2 and 6 more transcripts); c.903_908del, p.Asp301_Val302del (NM_001048172.2, NM_001407071.1, NM_001407078.1 and 1 more transcripts); c.984_989del, p.Asp328_Val329del (NM_001128425.2); c.945_950del, p.Asp315_Val316del (NM_001293190.2); c.933_938del, p.Asp311_Val312del (NM_001293191.2, NM_001407069.1, NM_001407077.1); c.624_629del, p.Asp208_Val209del (NM_001293192.2, NM_001293196.2, NM_001407091.1); c.555_560del, p.Asp185_Val186del (NM_001350650.2, NM_001350651.2, NM_001407082.1); c.816_821del, p.Asp272_Val273del (NM_001407075.1); and 5 more.
Identifiers: ClinVar variation 4720147 (VCV004720147.1).
Genomic context (GRCh38, chr1:45,332,030, plus strand): 5'-GGCTTCTGACTGGGCCAGGAAGGGTTGGGGTGGGGGCTAGGTTTGGTGCTCACCACACTC[CTCCACG>C]TCAGGACTGCCCGACAGGCTCCCTGAGGCTAAGAGCTGTTCCTGCTCCACCTGAGAGGCA-3'